The following is an entry in ClinVar:

NM_031307.4(PUS3):c.64G>A (p.Glu22Lys)

Genes: HYLS1 (HYLS1 centriolar and ciliogenesis associated; plus strand), PUS3 (pseudouridine synthase 3; minus strand). Cytogenetic location: 11q24.2.
Variant type: single nucleotide variant.
Coding change: c.64G>A on transcript NM_031307.4 (MANE Select); coding-DNA position 64, G replaced by A.
Protein change: p.Glu22Lys; replaces glutamic acid 22 with lysine.
Molecular consequence: missense variant. On other transcripts: intron variant (6).
Genome position (GRCh38, 1-based): chr11:125,896,221, C>T on the plus strand (G>A on the coding strand, the complement: PUS3 is on the minus strand). VCF-style: chr11-125896221-C-T. GRCh37 (hg19) VCF-style: chr11-125766116-C-T.
Other names: c.-80-2883C>T (NM_145014.3); c.-25-3123C>T (NM_001134793.2, NM_001377269.1); c.-22-3126C>T (NM_001424364.1, NM_001377270.1); c.-246-432G>A (NM_001271985.2); short protein forms E22K.
Identifiers: ClinVar variation 1308699 (VCV001308699.4), dbSNP rs202176811, ClinGen allele CA6350604.

ClinVar aggregate classification (germline): Uncertain significance. Review status: criteria provided, multiple submitters, no conflicts (2 of 4 stars). 3 submissions from 3 submitters: Uncertain significance (3). Last evaluated 2022-09-01.

Allele frequency attached by ClinVar (database versions not stated): ExAC 0.00002; gnomAD 0.00003 and 0.00004; gnomAD exomes 0.00004; TOPMed 0.00005; ESP Exome Variant Server 0.00008; 1000 Genomes Project 0.00020; 1000 Genomes Project 30x 0.00031.
gnomAD v4.1: 51 of 1,614,094 alleles (0.0032%); highest among the groups gnomAD compares: Middle Eastern, 0.05%; no homozygotes.

Submissions (3):

Labcorp Genetics (formerly Invitae), Labcorp
Classification: Uncertain significance. Last evaluated: 2022-09-01. Review status: criteria provided, single submitter. Criteria: Invitae Variant Classification Sherloc (09022015). Collection method: clinical testing. Allele origin: germline.
Comment: This sequence change replaces glutamic acid, which is acidic and polar, with lysine, which is basic and polar, at codon 22 of the PUS3 protein (p.Glu22Lys). This variant is present in population databases (rs202176811, gnomAD 0.008%). This variant has not been reported in the literature in individuals affected with PUS3-related conditions. ClinVar contains an entry for this variant (Variation ID: 1308699). Algorithms developed to predict the effect of missense changes on protein structure and function are either unavailable or do not agree on the potential impact of this missense change (SIFT: "Deleterious"; PolyPhen-2: "Benign"; Align-GVGD: "Class C0"). In summary, the available evidence is currently insufficient to determine the role of this variant in disease. Therefore, it has been classified as a Variant of Uncertain Significance.

GeneDx
Classification: Uncertain significance. Last evaluated: 2020-01-13. Review status: criteria provided, single submitter. Criteria: GeneDx Variant Classification Process June 2021. Collection method: clinical testing. Allele origin: germline. Affected: yes.
Comment: In silico analysis, which includes protein predictors and evolutionary conservation, supports that this variant does not alter protein structure/function; Has not been previously published as pathogenic or benign to our knowledge

Breakthrough Genomics
Classification: Uncertain significance. Review status: criteria provided, single submitter. Criteria: ACMG Guidelines, 2015. Collection method: not provided. Allele origin: germline. Inheritance: Autosomal recessive inheritance. Affected: yes.